The following is an entry in ClinVar:

NM_006086.4(TUBB3):c.596C>T (p.Thr199Ile)

Gene: TUBB3 (tubulin beta 3 class III; plus strand). Cytogenetic location: 16q24.3.
Variant type: single nucleotide variant.
Coding change: c.596C>T on transcript NM_006086.4 (MANE Select); coding-DNA position 596, C replaced by T.
Protein change: p.Thr199Ile; replaces threonine 199 with isoleucine.
Molecular consequence: missense variant.
Genome position (GRCh38, 1-based): chr16:89,935,047, C>T. VCF-style: chr16-89935047-C-T. GRCh37 (hg19) VCF-style: chr16-90001455-C-T.
Other names: c.380C>T, p.Thr127Ile (NM_001197181.2); short protein forms T127I, T199I.
Identifiers: ClinVar variation 3026931 (VCV003026931.22), dbSNP rs1212705780, ClinGen allele CA397474919.
Genomic context (GRCh38, chr16:89,935,047, plus strand): 5'-TGGTGGAGCCCTACAACGCCACGCTGTCCATCCACCAGCTGGTGGAGAACACGGATGAGA[C>T]CTACTGCATCGACAACGAGGCGCTCTACGACATCTGCTTCCGCACCCTCAAGCTGGCCAC-3'
Protein context (NP_006077.2, residues 189-209): IHQLVENTDE[Thr199Ile]YCIDNEALYD

ClinVar aggregate classification (germline): Likely pathogenic (1 of 4 stars; one submission).

Submission:

CeGaT Center for Human Genetics Tuebingen
Classification: Likely pathogenic. Last evaluated: 2024-09-01. Review status: criteria provided, single submitter. Criteria: CeGaT Center For Human Genetics Tuebingen Variant Classification Criteria Version 2. Collection method: clinical testing. Allele origin: germline. Affected: yes. Observed: 2 variant alleles.
Comment: TUBB3: PM1, PM2, PP2, PP3